The following is an entry in ClinVar:

ClinVar aggregate classification (germline): Uncertain significance (1 of 4 stars; one submission).

Conditions:
Inborn genetic diseases. Identifiers: MedGen C0950123, MeSH D030342.

Submission:

Ambry Genetics
Classification: Uncertain significance for Inborn genetic diseases. Last evaluated: 2025-06-13. Review status: criteria provided, single submitter. Criteria: Ambry Variant Classification Scheme 2023. Collection method: clinical testing. Allele origin: germline.
Comment: The p.G1234V variant (also known as c.3701G>T), located in coding exon 1 of the SAMD9 gene, results from a G to T substitution at nucleotide position 3701. The glycine at codon 1234 is replaced by valine, an amino acid with dissimilar properties. This amino acid position is conserved. In addition, the in silico prediction for this alteration is inconclusive. Based on the available evidence, the clinical significance of this variant remains unclear.

NM_017654.4(SAMD9):c.3701G>T (p.Gly1234Val)

Gene: SAMD9 (sterile alpha motif domain containing 9; minus strand). Cytogenetic location: 7q21.2.
Variant type: single nucleotide variant.
Coding change: c.3701G>T on transcript NM_017654.4 (MANE Select); coding-DNA position 3701, G replaced by T.
Protein change: p.Gly1234Val; replaces glycine 1234 with valine.
Molecular consequence: missense variant.
Genome position (GRCh38, 1-based): chr7:93,102,397, C>A on the plus strand (G>T on the coding strand, the complement: SAMD9 is on the minus strand). VCF-style: chr7-93102397-C-A. GRCh37 (hg19) VCF-style: chr7-92731710-C-A.
Other names: c.3701G>T, p.Gly1234Val (NM_001193307.2); short protein forms G1234V.
Identifiers: ClinVar variation 3949735 (VCV003949735.1).